The following is an entry in ClinVar:

ClinVar aggregate classification (germline): Pathogenic (1 of 4 stars; one submission).

Conditions:
Kartagener syndrome (CILD1). Also called: CILIARY DYSKINESIA, PRIMARY, 1; CILIARY DYSKINESIA, PRIMARY, 1, WITH OR WITHOUT SITUS INVERSUS; IMMOTILE CILIA SYNDROME; POLYNESIAN BRONCHIECTASIS; Dextrocardia bronchiectasis and sinusitis; SIEWERT SYNDROME. Identifiers: Orphanet 244, MedGen C4551906, MONDO:0009484, OMIM 244400.

Submission:

Myriad Genetics, Inc.
Classification: Pathogenic for Kartagener syndrome. Last evaluated: 2024-05-14. Review status: criteria provided, single submitter. Criteria: Myriad Autosomal Dominant, Autosomal Recessive and X-Linked Classification Criteria (2023). Collection method: clinical testing. Allele origin: unknown.
Comment: NM_012144.2(DNAI1):c.874C>T(Q292*) is expected to be pathogenic in the context of primary ciliary dyskinesia, DNAI1-related. This variant is predicted to lead to an abnormal or absent protein product due to the creation of a premature termination codon in DNAI1, a gene where loss-of-function variants are known to be pathogenic. Please note: this variant was assessed in the context of healthy population screening.

NM_012144.4(DNAI1):c.874C>T (p.Gln292Ter)

Gene: DNAI1 (dynein axonemal intermediate chain 1; plus strand). Cytogenetic location: 9p13.3.
Variant type: single nucleotide variant.
Coding change: c.874C>T on transcript NM_012144.4 (MANE Select); coding-DNA position 874, C replaced by T.
Protein change: p.Gln292Ter; replaces glutamine 292 with a stop codon.
Molecular consequence: nonsense.
Genome position (GRCh38, 1-based): chr9:34,497,172, C>T. VCF-style: chr9-34497172-C-T. GRCh37 (hg19) VCF-style: chr9-34497170-C-T.
Other names: c.886C>T, p.Gln296Ter (NM_001281428.2); short protein forms Q292*, Q296*.
Identifiers: ClinVar variation 5012275 (VCV005012275.1).